The following is an entry in ClinVar:

NM_014629.4(ARHGEF10):c.1333C>T (p.Arg445Ter)

Gene: ARHGEF10 (Rho guanine nucleotide exchange factor 10; plus strand). Cytogenetic location: 8p23.3.
Variant type: single nucleotide variant.
Coding change: c.1333C>T on transcript NM_014629.4 (MANE Select); coding-DNA position 1333, C replaced by T.
Protein change: p.Arg445Ter; replaces arginine 445 with a stop codon.
Molecular consequence: nonsense.
Genome position (GRCh38, 1-based): chr8:1,894,465, C>T. VCF-style: chr8-1894465-C-T. GRCh37 (hg19) VCF-style: chr8-1842631-C-T.
Other names: c.1219C>T, p.Arg407Ter (NM_001308152.2); c.1336C>T, p.Arg446Ter (NM_001308153.3); short protein forms R470*, R445*, R407*, R446*.
Identifiers: ClinVar variation 2890781 (VCV002890781.3), dbSNP rs1420667913, ClinGen allele CA369959254.

ClinVar aggregate classification (germline): Uncertain significance (1 of 4 stars; one submission).

Allele frequency attached by ClinVar (database versions not stated): TOPMed below 0.00001.
gnomAD v4.1: 9 of 1,614,196 alleles (0.00056%); highest among the groups gnomAD compares: Non-Finnish European, 0.00076%; no homozygotes.

Submission:

Labcorp Genetics (formerly Invitae), Labcorp
Classification: Uncertain significance. Last evaluated: 2024-12-12. Review status: criteria provided, single submitter. Criteria: Invitae Variant Classification Sherloc (09022015). Collection method: clinical testing. Allele origin: germline.
Comment: This sequence change creates a premature translational stop signal (p.Arg445*) in the ARHGEF10 gene. It is expected to result in an absent or disrupted protein product. However, the current clinical and genetic evidence is not sufficient to establish whether loss-of-function variants in ARHGEF10 cause disease. This variant is present in population databases (no rsID available, gnomAD 0.0009%). This variant has not been reported in the literature in individuals affected with ARHGEF10-related conditions. ClinVar contains an entry for this variant (Variation ID: 2890781). In summary, the available evidence is currently insufficient to determine the role of this variant in disease. Therefore, it has been classified as a Variant of Uncertain Significance.